The following is an entry in ClinVar:

NM_000313.4(PROS1):c.-168C>T

Gene: PROS1 (protein S; minus strand). Cytogenetic location: 3q11.1.
Variant type: single nucleotide variant.
Coding change: c.-168C>T on transcript NM_000313.4 (MANE Select); 168 bases upstream of the start codon, C replaced by T.
Genome position (GRCh38, 1-based): chr3:93,973,917, G>A on the plus strand (C>T on the coding strand, the complement: PROS1 is on the minus strand). VCF-style: chr3-93973917-G-A. GRCh37 (hg19) VCF-style: chr3-93692761-G-A.
Other names: p.?; c.-168C>T (NM_000313.3, NM_001314077.1).
Identifiers: ClinVar variation 626921 (VCV000626921.7), dbSNP rs199469484, ClinGen allele CA78507351.

ClinVar aggregate classification (germline): Likely pathogenic. Review status: criteria provided, multiple submitters, no conflicts (2 of 4 stars). 3 submissions from 3 submitters: Likely pathogenic (3). Last evaluated 2024-05-10.

Conditions:
Thrombophilia due to protein S deficiency, autosomal recessive (THPH6). Identifiers: Orphanet 743, MedGen C3281092, MONDO:0013791, OMIM 614514. Disease mechanism: loss of function.
Thrombophilia due to protein S deficiency, autosomal dominant (THPH5). Identifiers: Orphanet 26349, Orphanet 743, MedGen C3278211, MONDO:0012868, OMIM 612336. Disease mechanism: loss of function.
Protein S deficiency disease. Also called: Protein S deficiency. Identifiers: MedGen C0242666, MeSH D018455, MONDO:0002304.

Allele frequency attached by ClinVar (database versions not stated): TOPMed 0.00003; gnomAD exomes below 0.00001.

Submissions (3):

Mayo Clinic Laboratories, Mayo Clinic
Classification: Likely pathogenic. Last evaluated: 2024-05-10. Review status: criteria provided, single submitter. Criteria: ACMG Guidelines, 2015. Collection method: clinical testing. Allele origin: germline.
Comment: PM2_moderate, PS3, PS4_moderate

NIHR Bioresource Rare Diseases, University of Cambridge
Classification: Likely pathogenic for Reduced protein S activity. Last evaluated: 2019-02-01. Review status: criteria provided, single submitter. Criteria: ACMG Guidelines, 2015. Collection method: research. Allele origin: unknown. Affected: yes. Observed: 3 heterozygotes. Study: ThromboGenomics.

Juno Genomics, Hangzhou Juno Genomics, Inc
Classification: Likely pathogenic for Thrombophilia due to protein S deficiency, autosomal dominant; Thrombophilia due to protein S deficiency, autosomal recessive. Review status: criteria provided, single submitter. Criteria: ACMG Guidelines, 2015. Collection method: clinical testing. Allele origin: germline.
Comment: Absent from controls (or at extremely low frequency if recessive) in Genome Aggregation Database.;Well-established in vitro or in vivo functional studies supportive of a damaging effect on the gene or gene product.;The prevalence of the variant in affected individuals is significantly increased compared to the prevalence in controls.;Patient's phenotype or family history is highly specific for a disease with a single genetic etiology.

Literature cited by the submitters: PubMed 17596203 (cited by Mayo Clinic Laboratories, Mayo Clinic); PubMed 23813890 (cited by Mayo Clinic Laboratories, Mayo Clinic); PubMed 29748776 (cited by Mayo Clinic Laboratories, Mayo Clinic); PubMed 30669159 (cited by Mayo Clinic Laboratories, Mayo Clinic); PubMed 30925296 (cited by Mayo Clinic Laboratories, Mayo Clinic); PubMed 31064749 (cited by Mayo Clinic Laboratories, Mayo Clinic and NIHR Bioresource Rare Diseases, University of Cambridge).